The following is an entry in ClinVar:

NM_199420.4(POLQ):c.5467G>A (p.Glu1823Lys)

Gene: POLQ (DNA polymerase theta; minus strand). Cytogenetic location: 3q13.33.
Variant type: single nucleotide variant.
Coding change: c.5467G>A on transcript NM_199420.4 (MANE Select); coding-DNA position 5467, G replaced by A.
Protein change: p.Glu1823Lys; replaces glutamic acid 1823 with lysine.
Molecular consequence: missense variant.
Genome position (GRCh38, 1-based): chr3:121,487,464, C>T on the plus strand (G>A on the coding strand, the complement: POLQ is on the minus strand). VCF-style: chr3-121487464-C-T. GRCh37 (hg19) VCF-style: chr3-121206311-C-T.
Other names: short protein forms E1823K.
Identifiers: ClinVar variation 2448996 (VCV002448996.2), dbSNP rs2546784710, ClinGen allele CA354090122.
Genomic context (GRCh38, chr3:121,487,464, plus strand): 5'-CCTTAATGAATGTTTGGAAAAGATTTTGGTCACTTGCTACATCAATTATGGACAAACTTT[C>T]TGAACTGCTTGAGGCTGGAGTTAACTGTAATCCATCCTGTGATAACTGAAGTGAAAAGCT-3'
Protein context (NP_955452.3, residues 1813-1833): LQLTPASSSS[Glu1823Lys]SLSIIDVASD

ClinVar aggregate classification (germline): Uncertain significance (1 of 4 stars; one submission).

Submission:

Ambry Genetics
Classification: Uncertain significance. Last evaluated: 2023-02-03. Review status: criteria provided, single submitter. Criteria: Ambry Variant Classification Scheme 2023. Collection method: clinical testing. Allele origin: germline.
Comment: The p.E1823K variant (also known as c.5467G>A), located in coding exon 16 of the POLQ gene, results from a G to A substitution at nucleotide position 5467. The glutamic acid at codon 1823 is replaced by lysine, an amino acid with similar properties. This amino acid position is conserved. In addition, this alteration is predicted to be tolerated by in silico analysis. Since supporting evidence is limited at this time, the clinical significance of this alteration remains unclear.